The following is an entry in ClinVar:

ClinVar aggregate classification (germline): Benign. Review status: criteria provided, multiple submitters, no conflicts (2 of 4 stars). 3 submissions from 3 submitters: Benign (3). Last evaluated 2019-11-23.

Conditions:
Posterior column ataxia-retinitis pigmentosa syndrome (RETSNS). Also called: RETINOPATHY-SENSORY NEUROPATHY SYNDROME. Identifiers: Orphanet 88628, MedGen C1836916, MONDO:0012177, OMIM 609033.

Allele frequency attached by ClinVar (database versions not stated): gnomAD 0.08516 and 0.08526; TOPMed 0.10380; 1000 Genomes Project 30x 0.13585; 1000 Genomes Project 0.13758.
gnomAD v4.1: 46,234 of 1,387,586 alleles (3.3%); highest among the groups gnomAD compares: East Asian, 24%; 4,206 homozygotes.

Submissions (3):

GeneDx
Classification: Benign. Last evaluated: 2019-11-23. Review status: criteria provided, single submitter. Criteria: GeneDx Variant Classification Process June 2021. Collection method: clinical testing. Allele origin: germline. Affected: yes.

Illumina Laboratory Services, Illumina
Classification: Benign for Posterior column ataxia-retinitis pigmentosa syndrome. Last evaluated: 2018-01-13. Review status: criteria provided, single submitter. Criteria: ICSL Variant Classification Criteria 13 December 2019. Collection method: clinical testing. Allele origin: germline.
Comment: This variant was observed in the ICSL laboratory as part of a predisposition screen in an ostensibly healthy population. It had not been previously curated by ICSL or reported in the Human Gene Mutation Database (HGMD: prior to June 1st, 2018), and was therefore a candidate for classification through an automated scoring system. Utilizing variant allele frequency, disease prevalence and penetrance estimates, and inheritance mode, an automated score was calculated to assess if this variant is too frequent to cause the disease. Based on the score and internal cut-off values, a variant classified as benign is not then subjected to further curation. The score for this variant resulted in a classification of benign for this disease.

Breakthrough Genomics
Classification: Benign. Review status: criteria provided, single submitter. Criteria: ACMG Guidelines, 2015. Collection method: not provided. Allele origin: germline. Inheritance: Autosomal recessive inheritance. Affected: yes.

NM_017791.3(FLVCR2):c.-71C>T

Genes: FLVCR2 (FLVCR choline and putative heme transporter 2; plus strand), FLVCR2-AS1 (FLVCR2 antisense RNA 1; minus strand). Cytogenetic location: 14q24.3.
Variant type: single nucleotide variant.
Coding change: c.-71C>T on transcript NM_017791.3 (MANE Select); 71 bases upstream of the start codon, C replaced by T.
Molecular consequence: 5 prime UTR variant. On other transcripts: non-coding transcript variant (1).
Genome position (GRCh38, 1-based): chr14:75,578,902, C>T. VCF-style: chr14-75578902-C-T. GRCh37 (hg19) VCF-style: chr14-76045245-C-T.
Identifiers: ClinVar variation 314407 (VCV000314407.9), dbSNP rs11849590, ClinGen allele CA10646175.